The following is an entry in ClinVar:

ClinVar aggregate classification (germline): Uncertain significance. Review status: criteria provided, multiple submitters, no conflicts (2 of 4 stars). 3 submissions from 3 submitters: Uncertain significance (3). Last evaluated 2025-06-06.

Conditions:
Cardiac arrhythmia. Also called: Arrhythmia; Cardiac rhythm disease. Identifiers: MedGen C0003811, MONDO:0007263, HP:0011675.
Long QT syndrome (LQTS). Identifiers: MedGen C0023976, MeSH D008133, MONDO:0002442. Disease mechanism: loss of function. Inheritance: Various modes of inheritance.

gnomAD v4.1: 5 of 1,606,744 alleles (0.00031%); highest among the groups gnomAD compares: Non-Finnish European, 0.00017%; no homozygotes.

Submissions (3):

GeneDx
Classification: Uncertain significance. Last evaluated: 2025-06-06. Review status: criteria provided, single submitter. Criteria: GeneDx Variant Classification Process June 2021. Collection method: clinical testing. Allele origin: germline. Affected: yes.
Comment: Not observed at significant frequency in large population cohorts (gnomAD); In silico analysis supports that this missense variant has a deleterious effect on protein structure/function; Has not been previously published as pathogenic or benign to our knowledge

Labcorp Genetics (formerly Invitae), Labcorp
Classification: Uncertain significance for Long QT syndrome. Last evaluated: 2025-05-11. Review status: criteria provided, single submitter. Criteria: Invitae Variant Classification Sherloc (09022015). Collection method: clinical testing. Allele origin: germline.
Comment: This sequence change replaces proline, which is neutral and non-polar, with arginine, which is basic and polar, at codon 1084 of the KCNH2 protein (p.Pro1084Arg). This variant is present in population databases (rs762510312, gnomAD 0.01%). This variant has not been reported in the literature in individuals affected with KCNH2-related conditions. ClinVar contains an entry for this variant (Variation ID: 1359556). An algorithm developed to predict the effect of missense changes on protein structure and function (PolyPhen-2) suggests that this variant is likely to be tolerated. In summary, the available evidence is currently insufficient to determine the role of this variant in disease. Therefore, it has been classified as a Variant of Uncertain Significance.

Color Diagnostics, LLC DBA Color Health
Classification: Uncertain significance for Cardiac arrhythmia. Last evaluated: 2024-03-16. Review status: criteria provided, single submitter. Criteria: ACMG Guidelines, 2015. Collection method: clinical testing. Allele origin: germline.
Comment: This missense variant replaces proline with arginine at codon 1084 of the KCNH2 protein. Computational prediction is inconclusive regarding the impact of this variant on protein structure and function (internally defined REVEL score threshold 0.5 < inconclusive < 0.7, PMID: 27666373). To our knowledge, functional studies have not been reported for this variant. This variant has not been reported in individuals affected with KCNH2-related disorders in the literature. This variant has been identified in 3/247722 chromosomes in the general population by the Genome Aggregation Database (gnomAD). The available evidence is insufficient to determine the role of this variant in disease conclusively. Therefore, this variant is classified as a Variant of Uncertain Significance.

NM_000238.4(KCNH2):c.3251C>G (p.Pro1084Arg)

Gene: KCNH2 (potassium voltage-gated channel subfamily H member 2; minus strand). Cytogenetic location: 7q36.1.
Variant type: single nucleotide variant.
Coding change: c.3251C>G on transcript NM_000238.4 (MANE Select); coding-DNA position 3251, C replaced by G.
Protein change: p.Pro1084Arg; replaces proline 1084 with arginine.
Molecular consequence: missense variant.
Genome position (GRCh38, 1-based): chr7:150,946,956, G>C on the plus strand (C>G on the coding strand, the complement: KCNH2 is on the minus strand). VCF-style: chr7-150946956-G-C. GRCh37 (hg19) VCF-style: chr7-150644044-G-C.
Other names: c.2231C>G, p.Pro744Arg (NM_172057.3); c.3251C>G (NM_000238.2); short protein forms P1084R, P744R.
Identifiers: ClinVar variation 1359556 (VCV001359556.6), dbSNP rs762510312, ClinGen allele CA038100.